The following is an entry in ClinVar:

NM_198525.3(KIF7):c.976G>A (p.Val326Ile)

Gene: KIF7 (kinesin family member 7; minus strand). Cytogenetic location: 15q26.1.
Variant type: single nucleotide variant.
Coding change: c.976G>A on transcript NM_198525.3 (MANE Select); coding-DNA position 976, G replaced by A.
Protein change: p.Val326Ile; replaces valine 326 with isoleucine.
Molecular consequence: missense variant.
Genome position (GRCh38, 1-based): chr15:89,648,722, C>T on the plus strand (G>A on the coding strand, the complement: KIF7 is on the minus strand). VCF-style: chr15-89648722-C-T. GRCh37 (hg19) VCF-style: chr15-90191953-C-T.
Other names: short protein forms V326I.
Identifiers: ClinVar variation 1424611 (VCV001424611.6), dbSNP rs1964066861, ClinGen allele CA393773310.

ClinVar aggregate classification (germline): Uncertain significance. Review status: criteria provided, multiple submitters, no conflicts (2 of 4 stars). 2 submissions from 2 submitters: Uncertain significance (2). Last evaluated 2022-01-18.

Conditions:
Acrocallosal syndrome (ACLS). Also called: HALLUX DUPLICATION, POSTAXIAL POLYDACTYLY, AND ABSENCE OF CORPUS CALLOSUM; Schinzel syndrome 1; Absence of corpus callosum with unusual facial appearance, mental deficiency, duplication of the halluces and polydactyly. Identifiers: Orphanet 36, MedGen C0796147, MONDO:0008708, OMIM 200990.
Hydrolethalus syndrome 2 (HLS2). Identifiers: Orphanet 2189, MedGen C3279899, MONDO:0013585, OMIM 614120.
Multiple epiphyseal dysplasia, Al-Gazali type. Also called: Macrocephaly with multiple epiphyseal dysplasia and distinctive facies. Identifiers: Orphanet 166024, MedGen C1846722, MONDO:0011778, OMIM 607131.

Allele frequency attached by ClinVar (database versions not stated): gnomAD 0.00001; gnomAD exomes 0.00001; TOPMed 0.00002.
gnomAD v4.1: 6 of 1,536,160 alleles (0.00039%); highest among the groups gnomAD compares: Non-Finnish European, 0.00052%; no homozygotes.

Submissions (2):

Fulgent Genetics
Classification: Uncertain significance for Acrocallosal syndrome; Multiple epiphyseal dysplasia, Al-Gazali type; Hydrolethalus syndrome 2. Last evaluated: 2022-01-18. Review status: criteria provided, single submitter. Criteria: ACMG Guidelines, 2015. Collection method: clinical testing. Allele origin: unknown.

Labcorp Genetics (formerly Invitae), Labcorp
Classification: Uncertain significance for Acrocallosal syndrome. Last evaluated: 2021-08-14. Review status: criteria provided, single submitter. Criteria: Invitae Variant Classification Sherloc (09022015). Collection method: clinical testing. Allele origin: germline.
Comment: This sequence change replaces valine with isoleucine at codon 326 of the KIF7 protein (p.Val326Ile). The valine residue is weakly conserved and there is a small physicochemical difference between valine and isoleucine. This variant is not present in population databases (ExAC no frequency). This variant has not been reported in the literature in individuals affected with KIF7-related conditions. Algorithms developed to predict the effect of missense changes on protein structure and function output the following: SIFT: "Deleterious"; PolyPhen-2: "Benign"; Align-GVGD: "Class C0". The isoleucine amino acid residue is found in multiple mammalian species, which suggests that this missense change does not adversely affect protein function. In summary, the available evidence is currently insufficient to determine the role of this variant in disease. Therefore, it has been classified as a Variant of Uncertain Significance.